The following is an entry in ClinVar:

NM_000551.4(VHL):c.353T>C (p.Leu118Pro)

Genes: VHL (von Hippel-Lindau tumor suppressor; plus strand), LOC107303340 (3p25 von Hippel-Lindau tumor suppressor, E3 ubiquitin protein ligase Alu-mediated recombination region; plus strand). Cytogenetic location: 3p25.3.
Variant type: single nucleotide variant.
Coding change: c.353T>C on transcript NM_000551.4 (MANE Select); coding-DNA position 353, T replaced by C.
Protein change: p.Leu118Pro; replaces leucine 118 with proline.
Molecular consequence: missense variant. On other transcripts: intron variant (2).
Genome position (GRCh38, 1-based): chr3:10,146,526, T>C. VCF-style: chr3-10146526-T-C. GRCh37 (hg19) VCF-style: chr3-10188210-T-C.
Other names: c.*18-3261T>C (NM_001354723.2); c.341-3261T>C (NM_198156.3); short protein forms L118P.
Identifiers: ClinVar variation 428807 (VCV000428807.19), dbSNP rs5030830, ClinGen allele CA70049399.

ClinVar aggregate classification (germline): Pathogenic. Review status: criteria provided, multiple submitters, no conflicts (2 of 4 stars). 5 submissions from 5 submitters: Pathogenic (3). 2 of the submissions do not count toward it. Last evaluated 2024-08-12.

Conditions:
Hereditary cancer-predisposing syndrome. Also called: Hereditary neoplastic syndrome; Tumor predisposition; Neoplastic Syndromes, Hereditary; Hereditary Cancer Syndrome. Identifiers: Orphanet 140162, MedGen C0027672, MeSH D009386, MONDO:0015356.
Von Hippel-Lindau syndrome (VHLS). Also called: von Hippel–Lindau syndrome; Von Hippel-Lindau; VHL syndrome. Identifiers: Orphanet 892, MedGen C0019562, MONDO:0008667, OMIM 193300. Disease mechanism: loss of function.
Chuvash polycythemia. Also called: POLYCYTHEMIA, VHL-DEPENDENT. Identifiers: Orphanet 238557, MedGen C1837915, MONDO:0009892, OMIM 263400.

Submissions (5):

Ambry Genetics
Classification: Pathogenic for Hereditary cancer-predisposing syndrome. Last evaluated: 2024-08-12. Review status: criteria provided, single submitter. Criteria: Ambry Variant Classification Scheme 2023. Collection method: clinical testing. Allele origin: germline.
Comment: The p.L118P pathogenic mutation (also known as c.353T>C), located in coding exon 2 of the VHL gene, results from a T to C substitution at nucleotide position 353. The leucine at codon 118 is replaced by proline, an amino acid with very few similar properties. This pathogenic mutation has been reported in numerous individuals diagnosed with VHL (Crossey PA et al. Hum Mol Genet. 1994 Aug;3(8):1303-8; Zbar B et al. Hum Mutat. 1996;8(4):348-57; Olschwang S et al. Hum. Mutat. 1998;12:424-30; Yoshida M et al. Jpn J Cancer Res. 2000 Feb;91(2):204-12; Gallou C et al. Hum Mutat. 2004 Sep;24(3):215-24; Benhammou JN et al. J. Urol. 2010 Nov;184:1855-9; Dandanell M et al. BMC Med Genet. 2012 Jul 16;13:54; Wong M et al. Chin J Cancer. 2016 Aug;35:79; Ambry internal data). Of note, this pathogenic mutation is also referred to as 566T>C in some literature. This amino acid position is highly conserved in available vertebrate species. In addition, this alteration is predicted to be deleterious by in silico analysis. This variant is considered to be rare based on population cohorts in the Genome Aggregation Database (gnomAD). Based on the supporting evidence, this alteration is interpreted as a disease-causing mutation.

Myriad Genetics, Inc.
Classification: Pathogenic for Von Hippel-Lindau syndrome. Last evaluated: 2024-05-07. Review status: criteria provided, single submitter. Criteria: Myriad Autosomal Dominant, Autosomal Recessive and X-Linked Classification Criteria (2023). Collection method: clinical testing. Allele origin: unknown.
Comment: This variant is considered pathogenic. Functional studies indicate this variant impacts protein function [PMID: 14636579]. This variant is expected to disrupt protein structure [Myriad internal data]. This variant has been reported in multiple individuals with clinical features of gene-specific disease [PMID: 38595826, 17024664, 25952756, 9829912].

Labcorp Genetics (formerly Invitae), Labcorp
Classification: Pathogenic for Von Hippel-Lindau syndrome; Chuvash polycythemia. Last evaluated: 2024-02-19. Review status: criteria provided, single submitter. Criteria: Invitae Variant Classification Sherloc (09022015). Collection method: clinical testing. Allele origin: germline.
Comment: This sequence change replaces leucine, which is neutral and non-polar, with proline, which is neutral and non-polar, at codon 118 of the VHL protein (p.Leu118Pro). This variant is not present in population databases (gnomAD no frequency). This missense change has been observed in individuals with von Hippel-Lindau (VHL) syndrome and clinical features of VHL (PMID: 7987306, 8956040, 9829912, 12202531, 17024664, 22799452, 25952756, 27527340). It has also been observed to segregate with disease in related individuals. This variant is also known as c.566T>C (p.Leu189Pro). ClinVar contains an entry for this variant (Variation ID: 428807). Advanced modeling of protein sequence and biophysical properties (such as structural, functional, and spatial information, amino acid conservation, physicochemical variation, residue mobility, and thermodynamic stability) performed at Invitae indicates that this missense variant is expected to disrupt VHL protein function with a positive predictive value of 95%. Experimental studies have shown that this missense change affects VHL function (PMID: 14973063). For these reasons, this variant has been classified as Pathogenic.

Genome Diagnostics Laboratory, University Medical Center Utrecht
Classification: Pathogenic. Review status: no assertion criteria provided. Collection method: clinical testing. Allele origin: germline. Affected: yes. Study: VKGL Data-share Consensus. Not counted in ClinVar's aggregate classification.

Joint Genome Diagnostic Labs from Nijmegen and Maastricht, Radboudumc and MUMC+
Classification: Pathogenic. Review status: no assertion criteria provided. Collection method: clinical testing. Allele origin: germline. Affected: yes. Study: VKGL Data-share Consensus. Not counted in ClinVar's aggregate classification.

Literature cited by the submitters: PubMed 20846682 (cited by Ambry Genetics); PubMed 27527340 (cited by Ambry Genetics and Labcorp Genetics (formerly Invitae), Labcorp); PubMed 9829912 (cited by 3 submitters); PubMed 38595826 (cited by Myriad Genetics, Inc.); PubMed 17024664 (cited by Myriad Genetics, Inc. and Labcorp Genetics (formerly Invitae), Labcorp); PubMed 25952756 (cited by Myriad Genetics, Inc. and Labcorp Genetics (formerly Invitae), Labcorp); PubMed 7987306 (cited by Labcorp Genetics (formerly Invitae), Labcorp); PubMed 8956040 (cited by Labcorp Genetics (formerly Invitae), Labcorp); PubMed 12202531 (cited by Labcorp Genetics (formerly Invitae), Labcorp); PubMed 22799452 (cited by Labcorp Genetics (formerly Invitae), Labcorp); PubMed 14973063 (cited by Labcorp Genetics (formerly Invitae), Labcorp).